The following is an entry in ClinVar:

NM_018896.5(CACNA1G):c.7066C>T (p.Pro2356Ser)

Gene: CACNA1G (calcium voltage-gated channel subunit alpha1 G; plus strand). Cytogenetic location: 17q21.33.
Variant type: single nucleotide variant.
Coding change: c.7066C>T on transcript NM_018896.5 (MANE Select); coding-DNA position 7066, C replaced by T.
Protein change: p.Pro2356Ser; replaces proline 2356 with serine.
Molecular consequence: missense variant. On other transcripts: non-coding transcript variant (5).
Genome position (GRCh38, 1-based): chr17:50,626,683, C>T. VCF-style: chr17-50626683-C-T. GRCh37 (hg19) VCF-style: chr17-48704044-C-T.
Other names: p.Pro2356Ser; c.6877C>T, p.Pro2293Ser (NM_001256324.2); c.6808C>T, p.Pro2270Ser (NM_001256325.2); c.6796C>T, p.Pro2266Ser (NM_001256326.2); c.6766C>T, p.Pro2256Ser (NM_001256327.2); c.6712C>T, p.Pro2238Ser (NM_001256328.2); c.6685C>T, p.Pro2229Ser (NM_001256329.2, NM_198387.3); c.6652C>T, p.Pro2218Ser (NM_001256330.2); and 20 more; short protein forms P2356S, P2225S, P2236S, P2238S, P2263S, P2277S, P2293S, P2150S.
Identifiers: ClinVar variation 374702 (VCV000374702.50), dbSNP rs200980376, ClinGen allele CA8653800.

ClinVar aggregate classification (germline): Likely benign. Review status: criteria provided, multiple submitters, no conflicts (2 of 4 stars). 5 submissions from 5 submitters: Likely benign (5). Last evaluated 2025-10-10.

Conditions:
Inborn genetic diseases. Identifiers: MedGen C0950123, MeSH D030342.

Allele frequency attached by ClinVar (database versions not stated): 1000 Genomes Project 30x 0.00016; 1000 Genomes Project 0.00020; ExAC 0.00031; gnomAD exomes 0.00031 and 0.00047; TOPMed 0.00035; gnomAD 0.00047 and 0.00049; ESP Exome Variant Server 0.00049.
gnomAD v4.1: 746 of 1,613,226 alleles (0.046%); highest among the groups gnomAD compares: Non-Finnish European, 0.058%; no homozygotes.

Submissions (5):

Mayo Clinic Laboratories, Mayo Clinic
Classification: Likely benign. Last evaluated: 2025-10-10. Review status: criteria provided, single submitter. Criteria: ACMG Guidelines, 2015. Collection method: clinical testing. Allele origin: germline. Observed: 1 variant allele.
Comment: BS2, BP4

Labcorp Genetics (formerly Invitae), Labcorp
Classification: Likely benign. Last evaluated: 2025-04-22. Review status: criteria provided, single submitter. Criteria: Invitae Variant Classification Sherloc (09022015). Collection method: clinical testing. Allele origin: germline.

CeGaT Center for Human Genetics Tuebingen
Classification: Likely benign. Last evaluated: 2024-12-01. Review status: criteria provided, single submitter. Criteria: CeGaT Center For Human Genetics Tuebingen Variant Classification Criteria Version 2. Collection method: clinical testing. Allele origin: germline. Affected: yes. Observed: 7 variant alleles.
Comment: CACNA1G: BP4

Blueprint Genetics
Classification: Likely benign. Last evaluated: 2024-11-21. Review status: criteria provided, single submitter. Criteria: ACMG Guidelines, 2015. Collection method: clinical testing. Allele origin: germline.

Ambry Genetics
Classification: Likely benign for Inborn genetic diseases. Last evaluated: 2022-06-09. Review status: criteria provided, single submitter. Criteria: Ambry Variant Classification Scheme 2023. Collection method: clinical testing. Allele origin: germline.